The following is an entry in ClinVar:

NM_177924.5(ASAH1):c.965dup (p.Asp322fs)

Gene: ASAH1 (N-acylsphingosine amidohydrolase 1; minus strand). Cytogenetic location: 8p22.
Variant type: Duplication.
Coding change: c.965dup on transcript NM_177924.5 (MANE Select); coding-DNA position 965, one base duplicated (A; older notation c.965dupA).
Protein change: p.Asp322fs; shifts the reading frame from aspartic acid 322.
Molecular consequence: frameshift variant.
Genome position (GRCh38, 1-based): chr8:18,059,417, T duplicated on the plus strand (A on the coding strand, the reverse complement: ASAH1 is on the minus strand). VCF-style (leftmost placement, unchanged base first): chr8-18059416-G-GT. GRCh37 (hg19) VCF-style: chr8-17916925-G-GT.
Other names: c.947dup, p.Asp316fs (NM_001127505.3); c.770dup, p.Asp257fs (NM_001363743.2); c.1013dup, p.Asp338fs (NM_004315.6); short protein forms D338fs, D257fs, D316fs, D322fs.
Identifiers: ClinVar variation 3686279 (VCV003686279.2).
Genomic context (GRCh38, chr8:18,059,416, plus strand): 5'-GTTCAGACACATCTTTGCAGGCGTTCTGCGATCATCAAGGAAGAAGGGATGTTTCCAACG[G>GT]TCATAATTTGTTTGTACCACATACCATCTACCCTGCTTAGCATCGAGTCTAGATACAAAA-3'

ClinVar aggregate classification (germline): Pathogenic (1 of 4 stars; one submission).

Submission:

Labcorp Genetics (formerly Invitae), Labcorp
Classification: Pathogenic. Last evaluated: 2025-08-18. Review status: criteria provided, single submitter. Criteria: Invitae Variant Classification Sherloc (09022015). Collection method: clinical testing. Allele origin: germline.
Comment: This sequence change creates a premature translational stop signal (p.Asp322Glufs*10) in the ASAH1 gene. It is expected to result in an absent or disrupted protein product. Loss-of-function variants in ASAH1 are known to be pathogenic (PMID: 24164096, 24355074). This variant is not present in population databases (gnomAD no frequency). This variant has not been reported in the literature in individuals affected with ASAH1-related conditions. ClinVar contains an entry for this variant (Variation ID: 3686279). For these reasons, this variant has been classified as Pathogenic.

Literature cited by the submitters: PubMed 24164096; PubMed 24355074.